The following is an entry in ClinVar:

NM_004364.5(CEBPA):c.784G>A (p.Asp262Asn)

Gene: CEBPA (CCAAT enhancer binding protein alpha; minus strand). Cytogenetic location: 19q13.11.
Variant type: single nucleotide variant.
Coding change: c.784G>A on transcript NM_004364.5 (MANE Select); coding-DNA position 784, G replaced by A.
Protein change: p.Asp262Asn; replaces aspartic acid 262 with asparagine.
Molecular consequence: missense variant.
Genome position (GRCh38, 1-based): chr19:33,301,631, C>T on the plus strand (G>A on the coding strand, the complement: CEBPA is on the minus strand). VCF-style: chr19-33301631-C-T. GRCh37 (hg19) VCF-style: chr19-33792537-C-T.
Other names: c.427G>A, p.Asp143Asn (NM_001285829.2); c.889G>A, p.Asp297Asn (NM_001287424.2); c.742G>A, p.Asp248Asn (NM_001287435.2); short protein forms D248N, D262N, D297N, D143N.
Identifiers: ClinVar variation 4610922 (VCV004610922.1).

ClinVar aggregate classification (germline): Uncertain significance (1 of 4 stars; one submission).

Conditions:
Inborn genetic diseases. Identifiers: MedGen C0950123, MeSH D030342.

gnomAD v4.1: 2 of 1,566,686 alleles (0.00013%); highest among the groups gnomAD compares: African/African-American, 0.0014%; no homozygotes.

Submission:

Ambry Genetics
Classification: Uncertain significance for Inborn genetic diseases. Last evaluated: 2025-09-18. Review status: criteria provided, single submitter. Criteria: Ambry Variant Classification Scheme 2023. Collection method: clinical testing. Allele origin: germline.
Comment: The p.D262N variant (also known as c.784G>A), located in coding exon 1 of the CEBPA gene, results from a G to A substitution at nucleotide position 784. The aspartic acid at codon 262 is replaced by asparagine, an amino acid with highly similar properties. This amino acid position is conserved. In addition, this alteration is predicted to be tolerated by in silico analysis. Based on the available evidence, the clinical significance of this variant remains unclear.